The following is an entry in ClinVar:

NM_001278064.2(GRM1):c.99G>C (p.Ser33=)

Gene: GRM1 (glutamate metabotropic receptor 1; plus strand). Cytogenetic location: 6q24.3.
Variant type: single nucleotide variant.
Coding change: c.99G>C on transcript NM_001278064.2 (MANE Select); coding-DNA position 99, G replaced by C.
Protein change: p.Ser33=; no amino-acid change (serine 33 retained).
Molecular consequence: synonymous variant.
Genome position (GRCh38, 1-based): chr6:146,029,616, G>C. VCF-style: chr6-146029616-G-C. GRCh37 (hg19) VCF-style: chr6-146350752-G-C.
Other names: c.99G>C, p.Ser33= (NM_001278065.2, NM_001278066.1, NM_001278067.1).
Identifiers: ClinVar variation 1013309 (VCV001013309.38), dbSNP rs745816913, ClinGen allele CA452717003.
Genomic context (GRCh38, chr6:146,029,616, plus strand): 5'-TTTGGAGGTGTCCCTTCTCCCCAGAAGCCCCGGCAGGAAAGTGTTGCTGGCAGGAGCGTC[G>C]TCTCAGCGCTCGGTGGCCAGAATGGACGGAGATGTCATCATTGGAGCCCTCTTCTCAGTC-3'
Protein context (NP_001264993.1, residues 23-43): PGRKVLLAGA[Ser33=]SQRSVARMDG

ClinVar aggregate classification (germline): Likely benign (1 of 4 stars; one submission).

Allele frequency attached by ClinVar (database versions not stated): gnomAD 0.00001; TOPMed 0.00002.
gnomAD v4.1: 53 of 1,613,998 alleles (0.0033%); highest among the groups gnomAD compares: Non-Finnish European, 0.0041%; no homozygotes.

Submission:

CeGaT Center for Human Genetics Tuebingen
Classification: Likely benign. Last evaluated: 2024-08-01. Review status: criteria provided, single submitter. Criteria: CeGaT Center For Human Genetics Tuebingen Variant Classification Criteria Version 2. Collection method: clinical testing. Allele origin: germline. Affected: yes. Observed: 3 variant alleles.
Comment: GRM1: BP4, BP7